The following is an entry in ClinVar:

NM_152564.5(VPS13B):c.2964dup (p.Pro989fs)

Gene: VPS13B (vacuolar protein sorting 13 homolog B; plus strand). Cytogenetic location: 8q22.2.
Variant type: Duplication.
Coding change: c.2964dup on transcript NM_152564.5 (MANE Select); coding-DNA position 2964, one base duplicated (G; older notation c.2964dupG).
Protein change: p.Pro989fs; shifts the reading frame from proline 989.
Molecular consequence: frameshift variant.
Genome position (GRCh38, 1-based): chr8:99,391,586, G duplicated. VCF-style (leftmost placement, unchanged base first): chr8-99391585-T-TG. GRCh37 (hg19) VCF-style: chr8-100403813-T-TG.
Other names: c.2964dup, p.Pro989fs (NM_017890.5); short protein forms P989fs.
Identifiers: ClinVar variation 4063115 (VCV004063115.2).

ClinVar aggregate classification (germline): Likely pathogenic (1 of 4 stars; one submission).

Conditions:
Cohen syndrome (COH1). Also called: PEPPER SYNDROME; Cutis verticis gyrata, retinitis pigmentosa, and sensorineural deafness. Identifiers: Orphanet 193, MedGen C0265223, MONDO:0008999, OMIM 216550.

Submission:

Natera, Inc.
Classification: Likely pathogenic for Cohen syndrome. Last evaluated: 2025-05-02. Review status: criteria provided, single submitter. Criteria: Natera Variant Classification Schema (03/2026). Collection method: clinical testing. Allele origin: germline.
Comment: The c.2964dup variant in VPS13B is a frameshift variant predicted to shift the reading frame beginning at codon 989 and leads to a stop codon 4 codons downstream. This variant is expected to result in nonsense mediated decay, truncation, or a dysfunctional protein product. This variant is rare in the general population with a frequency below the threshold expected for the associated phenotype(s). Given the available evidence, this variant is classified as Likely Pathogenic.